The following is an entry in ClinVar:

ClinVar aggregate classification (germline): Uncertain significance (1 of 4 stars; one submission).

Submission:

GeneDx
Classification: Uncertain significance. Last evaluated: 2026-03-04. Review status: criteria provided, single submitter. Criteria: GeneDx Variant Classification Process June 2021. Collection method: clinical testing. Allele origin: germline.
Comment: Not observed at significant frequency in large population cohorts (gnomAD); In silico analysis suggests that this missense variant does not alter protein structure/function; Has not been previously published as pathogenic or benign to our knowledge

NM_024027.5(COLEC11):c.535A>G (p.Met179Val)

Gene: COLEC11 (collectin subfamily member 11; plus strand). Cytogenetic location: 2p25.3.
Variant type: single nucleotide variant.
Coding change: c.535A>G on transcript NM_024027.5 (MANE Select); coding-DNA position 535, A replaced by G.
Protein change: p.Met179Val; replaces methionine 179 with valine.
Molecular consequence: missense variant. On other transcripts: non-coding transcript variant (1).
Genome position (GRCh38, 1-based): chr2:3,643,837, A>G. VCF-style: chr2-3643837-A-G. GRCh37 (hg19) VCF-style: chr2-3691427-A-G.
Other names: c.463A>G, p.Met155Val (NM_001255982.2, NM_001255983.2); c.391A>G, p.Met131Val (NM_001255984.2); c.577A>G, p.Met193Val (NM_001255985.1); c.457A>G, p.Met153Val (NM_001255986.1); c.385A>G, p.Met129Val (NM_001255987.1, NM_001255988.1); c.313A>G, p.Met105Val (NM_001255989.1); c.526A>G, p.Met176Val (NM_199235.3); short protein forms M129V, M131V, M153V, M155V, M105V, M176V, M179V, M193V.
Identifiers: ClinVar variation 5008515 (VCV005008515.1).